The following is an entry in ClinVar:

NM_003873.7(NRP1):c.356T>C (p.Leu119Pro)

Gene: NRP1 (neuropilin 1; minus strand). Cytogenetic location: 10p11.22.
Variant type: single nucleotide variant.
Coding change: c.356T>C on transcript NM_003873.7 (MANE Select); coding-DNA position 356, T replaced by C.
Protein change: p.Leu119Pro; replaces leucine 119 with proline.
Molecular consequence: missense variant.
Genome position (GRCh38, 1-based): chr10:33,270,749, A>G on the plus strand (T>C on the coding strand, the complement: NRP1 is on the minus strand). VCF-style: chr10-33270749-A-G. GRCh37 (hg19) VCF-style: chr10-33559677-A-G.
Other names: c.356T>C, p.Leu119Pro (NM_001024628.3, NM_001024629.3, NM_001244972.2 and 2 more transcripts); short protein forms L119P.
Identifiers: ClinVar variation 3349184 (VCV003349184.1).

ClinVar aggregate classification (germline): Uncertain significance (0 of 4 stars; one submission).

Conditions:
NRP1-related disorder. Also called: NRP1-related condition.

gnomAD v4.1: 2 of 1,614,002 alleles (0.00012%); highest among the groups gnomAD compares: Non-Finnish European, 0.00017%; no homozygotes.

Submission:

PreventionGenetics, part of Exact Sciences
Classification: Uncertain significance for NRP1-related condition. Last evaluated: 2024-08-29. Review status: no assertion criteria provided. Collection method: clinical testing. Allele origin: germline.
Comment: The NRP1 c.356T>C variant is predicted to result in the amino acid substitution p.Leu119Pro. To our knowledge, this variant has not been reported in the literature or in a large population database, indicating this variant is rare. At this time, the clinical significance of this variant is uncertain due to the absence of conclusive functional and genetic evidence.